The following is an entry in ClinVar:

NM_199420.4(POLQ):c.4099T>C (p.Phe1367Leu)

Gene: POLQ (DNA polymerase theta; minus strand). Cytogenetic location: 3q13.33.
Variant type: single nucleotide variant.
Coding change: c.4099T>C on transcript NM_199420.4 (MANE Select); coding-DNA position 4099, T replaced by C.
Protein change: p.Phe1367Leu; replaces phenylalanine 1367 with leucine.
Molecular consequence: missense variant.
Genome position (GRCh38, 1-based): chr3:121,488,832, A>G on the plus strand (T>C on the coding strand, the complement: POLQ is on the minus strand). VCF-style: chr3-121488832-A-G. GRCh37 (hg19) VCF-style: chr3-121207679-A-G.
Other names: short protein forms F1367L.
Identifiers: ClinVar variation 2563867 (VCV002563867.2), dbSNP rs2546786355, ClinGen allele CA354096177.

ClinVar aggregate classification (germline): Uncertain significance (1 of 4 stars; one submission).

Submission:

Ambry Genetics
Classification: Uncertain significance. Last evaluated: 2023-05-25. Review status: criteria provided, single submitter. Criteria: Ambry Variant Classification Scheme 2023. Collection method: clinical testing. Allele origin: germline.
Comment: The p.F1367L variant (also known as c.4099T>C), located in coding exon 16 of the POLQ gene, results from a T to C substitution at nucleotide position 4099. The phenylalanine at codon 1367 is replaced by leucine, an amino acid with highly similar properties. This amino acid position is conserved. In addition, this alteration is predicted to be tolerated by in silico analysis. Since supporting evidence is limited at this time, the clinical significance of this alteration remains unclear.